The following is an entry in ClinVar:

NM_000268.4(NF2):c.1630A>C (p.Thr544Pro)

Gene: NF2 (NF2, moesin-ezrin-radixin like (MERLIN) tumor suppressor; plus strand). Cytogenetic location: 22q12.2.
Variant type: single nucleotide variant.
Coding change: c.1630A>C on transcript NM_000268.4 (MANE Select); coding-DNA position 1630, A replaced by C.
Protein change: p.Thr544Pro; replaces threonine 544 with proline.
Molecular consequence: missense variant. On other transcripts: non-coding transcript variant (1), intron variant (1).
Genome position (GRCh38, 1-based): chr22:29,681,494, A>C. VCF-style: chr22-29681494-A-C. GRCh37 (hg19) VCF-style: chr22-30077483-A-C.
Other names: c.1516A>C, p.Thr506Pro (NM_001407053.1, NM_001407056.1); c.1507A>C, p.Thr503Pro (NM_001407054.1, NM_001407058.1, NM_181829.3); c.1504A>C, p.Thr502Pro (NM_001407055.1, NM_181828.3); c.1495A>C, p.Thr499Pro (NM_001407057.1, NM_001407059.1); c.1372A>C, p.Thr458Pro (NM_001407062.1); c.1381A>C, p.Thr461Pro (NM_001407063.1, NM_181830.3, NM_181831.3); c.1096A>C, p.Thr366Pro (NM_001407065.1); c.1630A>C, p.Thr544Pro (NM_001407066.1, NM_016418.5, NM_181825.3 and 1 more transcripts); and 2 more; short protein forms T458P, T366P, T461P, T502P, T506P, T467P, T499P, T503P.
Identifiers: ClinVar variation 2095536 (VCV002095536.4), dbSNP rs762953921, ClinGen allele CA411150114.

ClinVar aggregate classification (germline): Uncertain significance (1 of 4 stars; one submission).

Conditions:
Neurofibromatosis, type 2 (SWNV). Also called: NF2-Related Schwannomatosis; BILATERAL ACOUSTIC NEUROFIBROMATOSIS; SCHWANNOMATOSIS, VESTIBULAR. Identifiers: Orphanet 637, MedGen C0027832, MONDO:0007039, OMIM 101000. Disease mechanism: loss of function.

Submission:

Labcorp Genetics (formerly Invitae), Labcorp
Classification: Uncertain significance for Neurofibromatosis, type 2. Last evaluated: 2022-02-09. Review status: criteria provided, single submitter. Criteria: Invitae Variant Classification Sherloc (09022015). Collection method: clinical testing. Allele origin: germline.
Comment: Algorithms developed to predict the effect of missense changes on protein structure and function are either unavailable or do not agree on the potential impact of this missense change (SIFT: "Tolerated"; PolyPhen-2: "Probably Damaging"; Align-GVGD: "Class C0"). In summary, the available evidence is currently insufficient to determine the role of this variant in disease. Therefore, it has been classified as a Variant of Uncertain Significance. This variant has not been reported in the literature in individuals affected with NF2-related conditions. This sequence change replaces threonine, which is neutral and polar, with proline, which is neutral and non-polar, at codon 544 of the NF2 protein (p.Thr544Pro). This variant is not present in population databases (gnomAD no frequency).